The following is an entry in ClinVar:

ClinVar aggregate classification (germline): Likely pathogenic (1 of 4 stars; one submission).

Conditions:
Primary ciliary dyskinesia. Also called: Ciliary dyskinesia. Identifiers: Orphanet 244, MedGen C0008780, MONDO:0016575, HP:0012265.

Submission:

Labcorp Genetics (formerly Invitae), Labcorp
Classification: Likely pathogenic for Primary ciliary dyskinesia. Last evaluated: 2022-07-19. Review status: criteria provided, single submitter. Criteria: Invitae Variant Classification Sherloc (09022015). Collection method: clinical testing. Allele origin: unknown.
Comment: This variant results in the deletion of part of exon 41 (c.6684-471_6706del) of the DNAH11 gene. It is expected to disrupt RNA splicing. Variants that disrupt the donor or acceptor splice site typically lead to a loss of protein function (PMID: 16199547), and loss-of-function variants in DNAH11 are known to be pathogenic (PMID: 18022865, 20513915, 22184204). In summary, the currently available evidence indicates that the variant is pathogenic, but additional data are needed to prove that conclusively. Therefore, this variant has been classified as Likely Pathogenic. This variant disrupts a region of the DNAH11 protein in which other variant(s) (p.Gly2236Arg) have been observed in individuals with DNAH11-related conditions (Invitae). This suggests that this is a clinically significant region of the protein, and that variants that disrupt it are likely to be disease-causing. This variant has not been reported in the literature in individuals affected with DNAH11-related conditions.

Literature cited by the submitters: PubMed 16199547; PubMed 18022865; PubMed 20513915; PubMed 22184204.

NC_000007.13:g.(?_21749700)_(21750193_?)del

Gene: DNAH11 (dynein axonemal heavy chain 11; plus strand). Cytogenetic location: 7p15.3.
Variant type: Deletion.
Identifiers: ClinVar variation 3245640 (VCV003245640.1).